The following is an entry in ClinVar:

ClinVar aggregate classification (germline): Uncertain significance. Review status: criteria provided, multiple submitters, no conflicts (2 of 4 stars). 2 submissions from 2 submitters: Uncertain significance (2). Last evaluated 2025-07-13.

gnomAD v4.1: 144 of 1,613,850 alleles (0.0089%); highest among the groups gnomAD compares: Non-Finnish European, 0.011%; no homozygotes.

Submissions (2):

Ambry Genetics
Classification: Uncertain significance. Last evaluated: 2025-07-13. Review status: criteria provided, single submitter. Criteria: Ambry Variant Classification Scheme 2023. Collection method: clinical testing. Allele origin: germline.

Labcorp Genetics (formerly Invitae), Labcorp
Classification: Uncertain significance. Last evaluated: 2024-08-17. Review status: criteria provided, single submitter. Criteria: Invitae Variant Classification Sherloc (09022015). Collection method: clinical testing. Allele origin: germline.
Comment: This sequence change replaces arginine, which is basic and polar, with histidine, which is basic and polar, at codon 315 of the P2RX2 protein (p.Arg315His). This variant is present in population databases (rs372363857, gnomAD 0.02%). This variant has not been reported in the literature in individuals affected with P2RX2-related conditions. Invitae Evidence Modeling of protein sequence and biophysical properties (such as structural, functional, and spatial information, amino acid conservation, physicochemical variation, residue mobility, and thermodynamic stability) indicates that this missense variant is expected to disrupt P2RX2 protein function with a positive predictive value of 80%. In summary, the available evidence is currently insufficient to determine the role of this variant in disease. Therefore, it has been classified as a Variant of Uncertain Significance.

NM_170682.4(P2RX2):c.944G>A (p.Arg315His)

Gene: P2RX2 (purinergic receptor P2X 2; plus strand). Cytogenetic location: 12q24.33.
Variant type: single nucleotide variant.
Coding change: c.944G>A on transcript NM_170682.4 (MANE Select); coding-DNA position 944, G replaced by A.
Protein change: p.Arg315His; replaces arginine 315 with histidine.
Molecular consequence: missense variant.
Genome position (GRCh38, 1-based): chr12:132,621,293, G>A. VCF-style: chr12-132621293-G-A. GRCh37 (hg19) VCF-style: chr12-133197879-G-A.
Other names: c.944G>A (NM_170683.2); c.842G>A, p.Arg281His (NM_001282164.2); c.944G>A, p.Arg315His (NM_001282165.2, NM_170683.4, NM_174873.3); c.728G>A, p.Arg243His (NM_012226.5); c.872G>A, p.Arg291His (NM_016318.4); c.668G>A, p.Arg223His (NM_174872.3); short protein forms R243H, R291H, R281H, R223H, R315H.
Identifiers: ClinVar variation 3720763 (VCV003720763.3).